The following is an entry in ClinVar:

NM_001844.5(COL2A1):c.3941del (p.Phe1314fs)

Gene: COL2A1 (collagen type II alpha 1 chain; minus strand). Cytogenetic location: 12q13.11.
Variant type: Deletion.
Coding change: c.3941del on transcript NM_001844.5 (MANE Select); coding-DNA position 3941, one base deleted (T; older notation c.3941delT).
Protein change: p.Phe1314fs; shifts the reading frame from phenylalanine 1314.
Molecular consequence: frameshift variant.
Genome position (GRCh38, 1-based): chr12:47,974,808, A deleted on the plus strand (T on the coding strand, the reverse complement: COL2A1 is on the minus strand); the first of 4 consecutive A bases (chr12:47,974,808-47,974,811); deleting any one gives the same sequence. VCF-style (leftmost placement, unchanged base first): chr12-47974807-GA-G. GRCh37 (hg19) VCF-style: chr12-48368590-GA-G.
Other names: c.3734del, p.Phe1245fs (NM_033150.3); short protein forms F1245fs, F1314fs.
Identifiers: ClinVar variation 3655027 (VCV003655027.2).

ClinVar aggregate classification (germline): Pathogenic (1 of 4 stars; one submission).

Submission:

Labcorp Genetics (formerly Invitae), Labcorp
Classification: Pathogenic. Last evaluated: 2024-05-29. Review status: criteria provided, single submitter. Criteria: Invitae Variant Classification Sherloc (09022015). Collection method: clinical testing. Allele origin: germline.
Comment: This sequence change creates a premature translational stop signal (p.Phe1314Serfs*62) in the COL2A1 gene. It is expected to result in an absent or disrupted protein product. Loss-of-function variants in COL2A1 are known to be pathogenic (PMID: 20179744). This variant is not present in population databases (gnomAD no frequency). This variant has not been reported in the literature in individuals affected with COL2A1-related conditions. For these reasons, this variant has been classified as Pathogenic.

Literature cited by the submitters: PubMed 20179744.